The following is an entry in ClinVar:

ClinVar aggregate classification (germline): Uncertain significance (1 of 4 stars; one submission).

Conditions:
Spermatogenic failure 18. Identifiers: MedGen C4539783, MONDO:0054615, OMIM 617576.
Ciliary dyskinesia, primary, 37 (CILD37). Also called: CILIARY DYSKINESIA, PRIMARY, 37, WITH OR WITHOUT SITUS INVERSUS. Identifiers: MedGen C4539798, MONDO:0033204, OMIM 617577.

Allele frequency attached by ClinVar (database versions not stated): gnomAD exomes below 0.00001; TOPMed 0.00001.
gnomAD v4.1: 2 of 1,613,966 alleles (0.00012%); highest among the groups gnomAD compares: Non-Finnish European, 0.000085%; no homozygotes.

Submission:

Labcorp Genetics (formerly Invitae), Labcorp
Classification: Uncertain significance for Ciliary dyskinesia, primary, 37; Spermatogenic failure 18. Last evaluated: 2021-08-28. Review status: criteria provided, single submitter. Criteria: Invitae Variant Classification Sherloc (09022015). Collection method: clinical testing. Allele origin: germline.
Comment: This sequence change replaces isoleucine with valine at codon 4003 of the DNAH1 protein (p.Ile4003Val). The isoleucine residue is moderately conserved and there is a small physicochemical difference between isoleucine and valine. This variant is not present in population databases (ExAC no frequency). This variant has not been reported in the literature in individuals affected with DNAH1-related conditions. Algorithms developed to predict the effect of missense changes on protein structure and function output the following: SIFT: "Tolerated"; PolyPhen-2: "Benign"; Align-GVGD: "Class C0". The valine amino acid residue is found in multiple mammalian species, which suggests that this missense change does not adversely affect protein function. In summary, the available evidence is currently insufficient to determine the role of this variant in disease. Therefore, it has been classified as a Variant of Uncertain Significance.

NM_015512.5(DNAH1):c.12007A>G (p.Ile4003Val)

Gene: DNAH1 (dynein axonemal heavy chain 1; plus strand). Cytogenetic location: 3p21.1.
Variant type: single nucleotide variant.
Coding change: c.12007A>G on transcript NM_015512.5 (MANE Select); coding-DNA position 12007, A replaced by G.
Protein change: p.Ile4003Val; replaces isoleucine 4003 with valine.
Molecular consequence: missense variant.
Genome position (GRCh38, 1-based): chr3:52,398,080, A>G. VCF-style: chr3-52398080-A-G. GRCh37 (hg19) VCF-style: chr3-52432096-A-G.
Other names: short protein forms I4003V.
Identifiers: ClinVar variation 2143586 (VCV002143586.1), dbSNP rs1704719782, ClinGen allele CA353082950.